The following is an entry in ClinVar:

ClinVar aggregate classification (germline): Uncertain significance. Review status: criteria provided, multiple submitters, no conflicts (2 of 4 stars). 5 submissions from 5 submitters: Uncertain significance (5). Last evaluated 2025-11-04.

Conditions:
Breast-ovarian cancer, familial, susceptibility to, 4. Identifiers: Orphanet 145, MedGen C3280345, MONDO:0013669, OMIM 614291.
Hereditary cancer-predisposing syndrome. Also called: Neoplastic Syndromes, Hereditary; Tumor predisposition; Hereditary Cancer Syndrome; Hereditary neoplastic syndrome. Identifiers: Orphanet 140162, MedGen C0027672, MeSH D009386, MONDO:0015356.

Allele frequency attached by ClinVar (database versions not stated): gnomAD exomes below 0.00001; gnomAD 0.00001.
gnomAD v4.1: 3 of 1,612,114 alleles (0.00019%); highest among the groups gnomAD compares: Non-Finnish European, 0.00025%; no homozygotes.

Submissions (5):

Ambry Genetics
Classification: Uncertain significance for Hereditary cancer-predisposing syndrome. Last evaluated: 2025-11-04. Review status: criteria provided, single submitter. Criteria: Ambry Variant Classification Scheme 2023. Collection method: clinical testing. Allele origin: germline.
Comment: The p.G7E variant (also known as c.20G>A), located in coding exon 1 of the RAD51D gene, results from a G to A substitution at nucleotide position 20. The glycine at codon 7 is replaced by glutamic acid, an amino acid with similar properties. This amino acid position is highly conserved in available vertebrate species. In addition, the in silico prediction for this alteration is inconclusive. Since supporting evidence is limited at this time, the clinical significance of this alteration remains unclear.

Labcorp Genetics (formerly Invitae), Labcorp
Classification: Uncertain significance for Breast-ovarian cancer, familial, susceptibility to, 4. Last evaluated: 2025-10-20. Review status: criteria provided, single submitter. Criteria: Invitae Variant Classification Sherloc (09022015). Collection method: clinical testing. Allele origin: germline.
Comment: This sequence change replaces glycine, which is neutral and non-polar, with glutamic acid, which is acidic and polar, at codon 7 of the RAD51D protein (p.Gly7Glu). This variant is not present in population databases (gnomAD no frequency). This variant has not been reported in the literature in individuals affected with RAD51D-related conditions. ClinVar contains an entry for this variant (Variation ID: 472592). An algorithm developed to predict the effect of missense changes on protein structure and function (PolyPhen-2) suggests that this variant is likely to be disruptive. In summary, the available evidence is currently insufficient to determine the role of this variant in disease. Therefore, it has been classified as a Variant of Uncertain Significance.

Quest Diagnostics Nichols Institute San Juan Capistrano
Classification: Uncertain significance. Last evaluated: 2024-06-20. Review status: criteria provided, single submitter. Criteria: Quest Diagnostics criteria. Collection method: clinical testing. Allele origin: unknown.
Comment: The RAD51D c.20G>A (p.Gly7Glu) variant has not been reported in individuals with RAD51D-related conditions in the published literature. The frequency of this variant in the general population, 0.0000066 (1/152222 chromosomes (Genome Aggregation Database)), is uninformative in the assessment of its pathogenicity. Analysis of this variant using bioinformatics tools for the prediction of the effect of amino acid changes on protein structure and function yielded conflicting predictions that this variant is benign or damaging. Based on the available information, we are unable to determine the clinical significance of this variant.

Color Diagnostics, LLC DBA Color Health
Classification: Uncertain significance for Hereditary cancer-predisposing syndrome. Last evaluated: 2024-03-06. Review status: criteria provided, single submitter. Criteria: ACMG Guidelines, 2015. Collection method: clinical testing. Allele origin: germline.
Comment: This missense variant replaces glycine with glutamic acid at codon 7 of the RAD51D protein. Computational prediction suggests that this variant may not impact protein structure and function (internally defined REVEL score threshold <= 0.5, PMID: 27666373). To our knowledge, functional studies have not been reported for this variant. This variant has not been reported in individuals affected with hereditary cancer in the literature. This variant has not been identified in the general population by the Genome Aggregation Database (gnomAD). The available evidence is insufficient to determine the role of this variant in disease conclusively. Therefore, this variant is classified as a Variant of Uncertain Significance.

GeneDx
Classification: Uncertain significance. Last evaluated: 2023-06-08. Review status: criteria provided, single submitter. Criteria: GeneDx Variant Classification Process June 2021. Collection method: clinical testing. Allele origin: germline. Affected: yes.
Comment: Not observed at significant frequency in large population cohorts (gnomAD); In silico analysis supports that this missense variant has a deleterious effect on protein structure/function; Has not been previously published as pathogenic or benign to our knowledge; This variant is associated with the following publications: (PMID: 21111057)

NM_002878.4(RAD51D):c.20G>A (p.Gly7Glu)

Genes: RAD51L3-RFFL (RAD51L3-RFFL readthrough; minus strand), RAD51D (RAD51 paralog D; minus strand). Cytogenetic location: 17q12.
Variant type: single nucleotide variant.
Coding change: c.20G>A on transcript NM_002878.4 (MANE Select); coding-DNA position 20, G replaced by A.
Protein change: p.Gly7Glu; replaces glycine 7 with glutamic acid.
Molecular consequence: missense variant. On other transcripts: non-coding transcript variant (2).
Genome position (GRCh38, 1-based): chr17:35,119,594, C>T on the plus strand (G>A on the coding strand, the complement: RAD51D is on the minus strand). VCF-style: chr17-35119594-C-T. GRCh37 (hg19) VCF-style: chr17-33446613-C-T.
Other names: c.20G>A, p.Gly7Glu (NM_001142571.2, NM_133629.3); short protein forms G7E.
Identifiers: ClinVar variation 472592 (VCV000472592.17), dbSNP rs1555570504, ClinGen allele CA399092542.
Genomic context (GRCh38, chr17:35,119,594, plus strand): 5'-GTCTTGATCCTGTGGCTCCTGAGAAGCTGGATCATCTCCTCGGTAAGGCCAGGGCACAGT[C>T]CGACCCTGAGCACGCCCATGTTCCCCGCAGGCCGGAACAGCCCCAGGGGGACTGCACGTC-3'
Protein context (NP_002869.3, residues 1-17): MGVLRV[Gly7Glu]LCPGLTEEMI